The following is an entry in ClinVar:

NM_014874.4(MFN2):c.1065G>T (p.Lys355Asn)

Gene: MFN2 (mitofusin 2; plus strand). Cytogenetic location: 1p36.22.
Variant type: single nucleotide variant.
Coding change: c.1065G>T on transcript NM_014874.4 (MANE Select); coding-DNA position 1065, G replaced by T.
Protein change: p.Lys355Asn; replaces lysine 355 with asparagine.
Molecular consequence: missense variant.
Genome position (GRCh38, 1-based): chr1:12,002,008, G>T. VCF-style: chr1-12002008-G-T. GRCh37 (hg19) VCF-style: chr1-12062065-G-T.
Other names: c.1065G>T, p.Lys355Asn (NM_001127660.2); short protein forms K355N.
Identifiers: ClinVar variation 2112586 (VCV002112586.4), dbSNP rs1639196950, ClinGen allele CA338442730.

ClinVar aggregate classification (germline): Uncertain significance (1 of 4 stars; one submission).

Conditions:
Charcot-Marie-Tooth disease type 2. Also called: Charcot-Marie-Tooth type 2. Identifiers: Orphanet 64746, MedGen C0270914, MONDO:0018993.

Allele frequency attached by ClinVar (database versions not stated): gnomAD 0.00001; TOPMed below 0.00001.
gnomAD v4.1: 1 of 1,614,092 alleles (0.000062%); highest among the groups gnomAD compares: South Asian, 0.0011%; no homozygotes.

Submission:

Labcorp Genetics (formerly Invitae), Labcorp
Classification: Uncertain significance for Charcot-Marie-Tooth disease type 2. Last evaluated: 2024-11-05. Review status: criteria provided, single submitter. Criteria: Invitae Variant Classification Sherloc (09022015). Collection method: clinical testing. Allele origin: germline.
Comment: This sequence change replaces lysine, which is basic and polar, with asparagine, which is neutral and polar, at codon 355 of the MFN2 protein (p.Lys355Asn). This variant is not present in population databases (gnomAD no frequency). This variant has not been reported in the literature in individuals affected with MFN2-related conditions. ClinVar contains an entry for this variant (Variation ID: 2112586). Invitae Evidence Modeling of protein sequence and biophysical properties (such as structural, functional, and spatial information, amino acid conservation, physicochemical variation, residue mobility, and thermodynamic stability) has been performed for this missense variant. However, the output from this modeling did not meet the statistical confidence thresholds required to predict the impact of this variant on MFN2 protein function. In summary, the available evidence is currently insufficient to determine the role of this variant in disease. Therefore, it has been classified as a Variant of Uncertain Significance.